The following is an entry in ClinVar:

NM_001271.4(CHD2):c.5341C>G (p.His1781Asp)

Gene: CHD2 (chromodomain helicase DNA binding protein 2; plus strand). Cytogenetic location: 15q26.1.
Variant type: single nucleotide variant.
Coding change: c.5341C>G on transcript NM_001271.4 (MANE Select); coding-DNA position 5341, C replaced by G.
Protein change: p.His1781Asp; replaces histidine 1781 with aspartic acid.
Molecular consequence: missense variant.
Genome position (GRCh38, 1-based): chr15:93,024,559, C>G. VCF-style: chr15-93024559-C-G. GRCh37 (hg19) VCF-style: chr15-93567789-C-G.
Other names: p.His1781Asp; short protein forms H1781D.
Identifiers: ClinVar variation 1346091 (VCV001346091.9), dbSNP rs771637309, ClinGen allele CA7748723.

ClinVar aggregate classification (germline): Uncertain significance. Review status: criteria provided, multiple submitters, no conflicts (2 of 4 stars). 2 submissions from 2 submitters: Uncertain significance (2). Last evaluated 2025-02-23.

Conditions:
Developmental and epileptic encephalopathy 94 (DEE94). Also called: CHD2-Related Neurodevelopmental Disorders; Epileptic encephalopathy, childhood-onset. Identifiers: Orphanet 1942, Orphanet 2382, MedGen C3809278, MONDO:0014150, OMIM 615369.

Allele frequency attached by ClinVar (database versions not stated): ExAC 0.00001; gnomAD exomes 0.00001 and 0.00002.
gnomAD v4.1: 6 of 1,614,228 alleles (0.00037%); highest among the groups gnomAD compares: Admixed American, 0.01%; no homozygotes.

Submissions (2):

Labcorp Genetics (formerly Invitae), Labcorp
Classification: Uncertain significance for Developmental and epileptic encephalopathy 94. Last evaluated: 2025-02-23. Review status: criteria provided, single submitter. Criteria: Invitae Variant Classification Sherloc (09022015). Collection method: clinical testing. Allele origin: germline.
Comment: This sequence change replaces histidine, which is basic and polar, with aspartic acid, which is acidic and polar, at codon 1781 of the CHD2 protein (p.His1781Asp). This variant is present in population databases (rs771637309, gnomAD 0.02%). This missense change has been observed in individual(s) with clinical features of childhood-onset epileptic encephalopathy (internal data). ClinVar contains an entry for this variant (Variation ID: 1346091). Invitae Evidence Modeling of protein sequence and biophysical properties (such as structural, functional, and spatial information, amino acid conservation, physicochemical variation, residue mobility, and thermodynamic stability) indicates that this missense variant is not expected to disrupt CHD2 protein function with a negative predictive value of 95%. In summary, the available evidence is currently insufficient to determine the role of this variant in disease. Therefore, it has been classified as a Variant of Uncertain Significance.

Mayo Clinic Laboratories, Mayo Clinic
Classification: Uncertain significance. Last evaluated: 2023-03-17. Review status: criteria provided, single submitter. Criteria: ACMG Guidelines, 2015. Collection method: clinical testing. Allele origin: germline. Observed: 1 variant allele.
Comment: BS2